The following is an entry in ClinVar:

ClinVar aggregate classification (germline): Likely benign. Review status: criteria provided, multiple submitters, no conflicts (2 of 4 stars). 2 submissions from 2 submitters: Likely benign (2). Last evaluated 2026-09-01.

Allele frequency attached by ClinVar (database versions not stated): ESP Exome Variant Server 0.00136; 1000 Genomes Project 0.00160; gnomAD 0.00171; 1000 Genomes Project 30x 0.00172; TOPMed 0.00198; ExAC 0.00266; gnomAD exomes 0.00296.
gnomAD v4.1: 4,577 of 1,612,512 alleles (0.28%); highest among the groups gnomAD compares: Middle Eastern, 1.5%; 20 homozygotes.

Submissions (2):

CeGaT Center for Human Genetics Tuebingen
Classification: Likely benign. Last evaluated: 2026-09-01. Review status: criteria provided, single submitter. Criteria: CeGaT Center For Human Genetics Tuebingen Variant Classification Criteria Version 2. Collection method: clinical testing. Allele origin: germline. Affected: yes. Observed: 22 variant alleles.
Comment: ABCA2: BP4, BP7, BS2

Blueprint Genetics
Classification: Likely benign. Last evaluated: 2024-11-22. Review status: criteria provided, single submitter. Criteria: ACMG Guidelines, 2015. Collection method: clinical testing. Allele origin: germline.

NM_001606.5(ABCA2):c.2559C>T (p.Leu853=)

Gene: ABCA2 (ATP binding cassette subfamily A member 2; minus strand). Cytogenetic location: 9q34.3.
Variant type: single nucleotide variant.
Coding change: c.2559C>T on transcript NM_001606.5 (MANE Select); coding-DNA position 2559, C replaced by T.
Protein change: p.Leu853=; no amino-acid change (leucine 853 retained).
Molecular consequence: synonymous variant.
Genome position (GRCh38, 1-based): chr9:137,017,119, G>A on the plus strand (C>T on the coding strand, the complement: ABCA2 is on the minus strand). VCF-style: chr9-137017119-G-A. GRCh37 (hg19) VCF-style: chr9-139911571-G-A.
Other names: c.2556C>T, p.Leu852= (NM_001411042.1); c.2649C>T, p.Leu883= (NM_212533.3).
Identifiers: ClinVar variation 2571350 (VCV002571350.28), dbSNP rs144508979, ClinGen allele CA5355031.